The following is an entry in ClinVar:

ClinVar aggregate classification (germline): Uncertain significance (1 of 4 stars; one submission).

Conditions:
Hyperekplexia 3 (HKPX3). Also called: HYPEREKPLEXIA 3, AUTOSOMAL RECESSIVE; HYPEREKPLEXIA 3, AUTOSOMAL DOMINANT. Identifiers: Orphanet 3197, MedGen C3553288, MONDO:0013827, OMIM 614618.

Allele frequency attached by ClinVar (database versions not stated): TOPMed below 0.00001; gnomAD 0.00001.
gnomAD v4.1: 3 of 1,592,226 alleles (0.00019%); highest among the groups gnomAD compares: Non-Finnish European, 0.00017%; no homozygotes.

Submission:

Labcorp Genetics (formerly Invitae), Labcorp
Classification: Uncertain significance for Hyperekplexia 3. Last evaluated: 2022-05-14. Review status: criteria provided, single submitter. Criteria: Invitae Variant Classification Sherloc (09022015). Collection method: clinical testing. Allele origin: germline.
Comment: This sequence change replaces glutamine, which is neutral and polar, with histidine, which is basic and polar, at codon 60 of the SLC6A5 protein (p.Gln60His). This variant is not present in population databases (gnomAD no frequency). This variant has not been reported in the literature in individuals affected with SLC6A5-related conditions. Advanced modeling of protein sequence and biophysical properties (such as structural, functional, and spatial information, amino acid conservation, physicochemical variation, residue mobility, and thermodynamic stability) performed at Invitae indicates that this missense variant is not expected to disrupt SLC6A5 protein function. In summary, the available evidence is currently insufficient to determine the role of this variant in disease. Therefore, it has been classified as a Variant of Uncertain Significance.

NM_004211.5(SLC6A5):c.180A>C (p.Gln60His)

Gene: SLC6A5 (solute carrier family 6 member 5; plus strand). Cytogenetic location: 11p15.1.
Variant type: single nucleotide variant.
Coding change: c.180A>C on transcript NM_004211.5 (MANE Select); coding-DNA position 180, A replaced by C.
Protein change: p.Gln60His; replaces glutamine 60 with histidine.
Molecular consequence: missense variant. On other transcripts: 5 prime UTR variant (1).
Genome position (GRCh38, 1-based): chr11:20,601,305, A>C. VCF-style: chr11-20601305-A-C. GRCh37 (hg19) VCF-style: chr11-20622851-A-C.
Other names: c.-384A>C (NM_001318369.2); short protein forms Q60H.
Identifiers: ClinVar variation 2177772 (VCV002177772.1), dbSNP rs1262270985, ClinGen allele CA379911214.